The following is an entry in ClinVar:

NM_000393.5(COL5A2):c.798+43C>T

Gene: COL5A2 (collagen type V alpha 2 chain; minus strand). Cytogenetic location: 2q32.2.
Variant type: single nucleotide variant.
Coding change: c.798+43C>T on transcript NM_000393.5 (MANE Select); 43 bases into the intron after coding-DNA position 798, C replaced by T.
Molecular consequence: intron variant.
Genome position (GRCh38, 1-based): chr2:189,085,117, G>A on the plus strand (C>T on the coding strand, the complement: COL5A2 is on the minus strand). VCF-style: chr2-189085117-G-A. GRCh37 (hg19) VCF-style: chr2-189949843-G-A.
Other names: NC_000002.11:g.189949843G>A.
Identifiers: ClinVar variation 676070 (VCV000676070.3), dbSNP rs58624621, ClinGen allele CA2022946.
Genomic context (GRCh38, chr2:189,085,117, plus strand): 5'-GGGTGGGGAAATGTAATGGAAATTAATACAGAACATTCTTGTTAACATTTTAACCCCTTC[G>A]CCTCTTCAAAACCTGAATGGAAAATGAGGAAAGGTAGCTTACATCTTCCCCAGGTTTACC-3'

ClinVar aggregate classification (germline): Likely benign. Review status: criteria provided, multiple submitters, no conflicts (2 of 4 stars). 2 submissions from 2 submitters: Likely benign (2). Last evaluated 2018-06-14.

Allele frequency attached by ClinVar (database versions not stated): gnomAD exomes 0.00091 and 0.00257; 1000 Genomes Project 0.00958; ESP Exome Variant Server 0.01246; gnomAD 0.00973 and 0.01038; 1000 Genomes Project 30x 0.00984; ExAC 0.00370; TOPMed 0.01093.
gnomAD v4.1: 2,757 of 1,508,712 alleles (0.18%); highest among the groups gnomAD compares: African/African-American, 3.3%; 34 homozygotes.

Submissions (3):

GeneDx
Classification: Likely benign. Last evaluated: 2018-06-14. Review status: criteria provided, single submitter. Criteria: GeneDx Variant Classification (06012015). Collection method: clinical testing. Allele origin: germline. Affected: yes.
Comment: This variant is considered likely benign or benign based on one or more of the following criteria: it is a conservative change, it occurs at a poorly conserved position in the protein, it is predicted to be benign by multiple in silico algorithms, and/or has population frequency not consistent with disease.

Breakthrough Genomics
Classification: Likely benign. Review status: criteria provided, single submitter. Criteria: ACMG Guidelines, 2015. Collection method: not provided. Allele origin: germline. Inheritance: Autosomal dominant inheritance. Affected: yes.

Dr. Peter K. Rogan Lab, Western University
No classification provided (evidence only). Condition: Sarcoma. Review status: no classification provided. Collection method: in vitro. Allele origin: not applicable. Functional consequence: retained intron. Not counted in ClinVar's aggregate classification.